The following is an entry in ClinVar:

ClinVar aggregate classification (germline): Uncertain significance (1 of 4 stars; one submission).

Conditions:
Familial cancer of breast. Also called: hereditary breast carcinoma; BREAST CANCER, FAMILIAL; Hereditary breast cancer. Identifiers: Orphanet 227535, MedGen C0346153, MONDO:0016419, OMIM 114480. Disease mechanism: loss of function.

Submission:

Labcorp Genetics (formerly Invitae), Labcorp
Classification: Uncertain significance for Familial cancer of breast. Last evaluated: 2022-07-12. Review status: criteria provided, single submitter. Criteria: Invitae Variant Classification Sherloc (09022015). Collection method: clinical testing. Allele origin: germline.
Comment: Algorithms developed to predict the effect of missense changes on protein structure and function are either unavailable or do not agree on the potential impact of this missense change (SIFT: "Deleterious"; PolyPhen-2: "Probably Damaging"; Align-GVGD: "Class C0"). Experimental studies have shown that this missense change does not substantially affect CHEK2 function (PMID: 22419737). In summary, the available evidence is currently insufficient to determine the role of this variant in disease. Therefore, it has been classified as a Variant of Uncertain Significance. This variant is not present in population databases (gnomAD no frequency). This sequence change replaces serine, which is neutral and polar, with phenylalanine, which is neutral and non-polar, at codon 53 of the CHEK2 protein (p.Ser53Phe). This variant has not been reported in the literature in individuals affected with CHEK2-related conditions. ClinVar contains an entry for this variant (Variation ID: 1519805).

Literature cited by the submitters: PubMed 22419737.

NM_007194.4(CHEK2):c.158C>T (p.Ser53Phe)

Gene: CHEK2 (checkpoint kinase 2; minus strand). Cytogenetic location: 22q12.1.
Variant type: single nucleotide variant.
Coding change: c.158C>T on transcript NM_007194.4 (MANE Select); coding-DNA position 158, C replaced by T.
Protein change: p.Ser53Phe; replaces serine 53 with phenylalanine.
Molecular consequence: missense variant.
Genome position (GRCh38, 1-based): chr22:28,734,564, G>A on the plus strand (C>T on the coding strand, the complement: CHEK2 is on the minus strand). VCF-style: chr22-28734564-G-A. GRCh37 (hg19) VCF-style: chr22-29130552-G-A.
Other names: c.158C>T, p.Ser53Phe (NM_001005735.3, NM_001349956.3, NM_145862.3); c.-620C>T (NM_001257387.3); short protein forms S53F.
Identifiers: ClinVar variation 1519805 (VCV001519805.9), dbSNP rs753204096, ClinGen allele CA411090965.